The following is an entry in ClinVar:

NM_004177.5(STX3):c.643T>C (p.Phe215Leu)

Gene: STX3 (syntaxin 3; plus strand). Cytogenetic location: 11q12.1.
Variant type: single nucleotide variant.
Coding change: c.643T>C on transcript NM_004177.5 (MANE Select); coding-DNA position 643, T replaced by C.
Protein change: p.Phe215Leu; replaces phenylalanine 215 with leucine.
Molecular consequence: missense variant.
Genome position (GRCh38, 1-based): chr11:59,793,482, T>C. VCF-style: chr11-59793482-T-C. GRCh37 (hg19) VCF-style: chr11-59560955-T-C.
Other names: c.643T>C, p.Phe215Leu (NM_001178040.3); short protein forms F215L.
Identifiers: ClinVar variation 1463387 (VCV001463387.6), dbSNP rs997687378, ClinGen allele CA223234725.

ClinVar aggregate classification (germline): Uncertain significance (1 of 4 stars; one submission).

Allele frequency attached by ClinVar (database versions not stated): gnomAD exomes 0.00001.

Submission:

Labcorp Genetics (formerly Invitae), Labcorp
Classification: Uncertain significance. Last evaluated: 2024-10-16. Review status: criteria provided, single submitter. Criteria: Invitae Variant Classification Sherloc (09022015). Collection method: clinical testing. Allele origin: germline.
Comment: This sequence change replaces phenylalanine, which is neutral and non-polar, with leucine, which is neutral and non-polar, at codon 215 of the STX3 protein (p.Phe215Leu). This variant is not present in population databases (gnomAD no frequency). This variant has not been reported in the literature in individuals affected with STX3-related conditions. ClinVar contains an entry for this variant (Variation ID: 1463387). An algorithm developed to predict the effect of missense changes on protein structure and function (PolyPhen-2) suggests that this variant is likely to be disruptive. In summary, the available evidence is currently insufficient to determine the role of this variant in disease. Therefore, it has been classified as a Variant of Uncertain Significance.